The following is an entry in ClinVar:

ClinVar aggregate classification (germline): Conflicting classifications of pathogenicity. Review status: criteria provided, conflicting classifications (1 of 4 stars). 6 submissions from 6 submitters: Uncertain significance (1); Likely benign (4). 1 of the submissions does not count toward it. Last evaluated 2026-01-28.

Conditions:
FANCF-related disorder. Also called: FANCF-related condition.
Fanconi anemia complementation group F. Also called: FANCF-Related Fanconi Anemia. Identifiers: Orphanet 84, MedGen C3469526, MONDO:0011325, OMIM 603467.
Fanconi anemia (FA). Also called: Fanconi's anemia. Identifiers: Orphanet 84, MedGen C0015625, MeSH D005199, MONDO:0019391.

Allele frequency attached by ClinVar (database versions not stated): gnomAD 0.00010; gnomAD exomes 0.00014 and 0.00028; TOPMed 0.00014; ExAC 0.00025; ESP Exome Variant Server 0.00031.
gnomAD v4.1: 244 of 1,614,108 alleles (0.015%); highest among the groups gnomAD compares: South Asian, 0.033%; 3 homozygotes.

Submissions (6):

Labcorp Genetics (formerly Invitae), Labcorp
Classification: Likely benign for Fanconi anemia. Last evaluated: 2026-01-28. Review status: criteria provided, single submitter. Criteria: Invitae Variant Classification Sherloc (09022015). Collection method: clinical testing. Allele origin: germline.

Blueprint Genetics
Classification: Likely benign. Last evaluated: 2024-11-04. Review status: criteria provided, single submitter. Criteria: ACMG Guidelines, 2015. Collection method: clinical testing. Allele origin: germline.

Department of Pathology and Laboratory Medicine, Sinai Health System
Classification: Likely benign for Fanconi anemia complementation group F. Last evaluated: 2021-07-30. Review status: criteria provided, single submitter. Criteria: ACMG Guidelines, 2015. Collection method: research. Allele origin: germline.

Genetic Services Laboratory, University of Chicago
Classification: Likely benign. Last evaluated: 2021-05-26. Review status: criteria provided, single submitter. Criteria: ACMG Guidelines, 2015. Collection method: clinical testing. Allele origin: germline. Affected: no.
Comment: DNA sequence analysis of the FANCF gene demonstrated a sequence change, c.350C>T, in exon 1 that results in an amino acid change, p.Pro117Leu. This sequence change has been described in gnomAD with a frequency of 0.51% in the Ashkenazi Jewish sub-population (dbSNP rs374572943). The p.Pro117Leu change affects a highly conserved amino acid residue located in a domain of the FANCF protein that is not known to be functional. In-silico pathogenicity prediction tools (SIFT, PolyPhen2, Align GVGD, REVEL) provide contradictory results for the p.Pro117Leu substitution. This sequence change does not appear to have been previously described in patients with FANCF-related disorders. Due to the lack of sufficient evidences, the clinical significance of the p.Pro117Leu change remains unknown at this time.

Illumina Laboratory Services, Illumina
Classification: Uncertain significance for Fanconi anemia complementation group F. Last evaluated: 2018-01-12. Review status: criteria provided, single submitter. Criteria: ICSL Variant Classification Criteria 13 December 2019. Collection method: clinical testing. Allele origin: germline.

PreventionGenetics, part of Exact Sciences
Classification: Likely benign for FANCF-related condition. Last evaluated: 2020-10-01. Review status: no assertion criteria provided. Collection method: clinical testing. Allele origin: germline. Not counted in ClinVar's aggregate classification.
Comment: This variant is classified as likely benign based on ACMG/AMP sequence variant interpretation guidelines (Richards et al. 2015 PMID: 25741868, with internal and published modifications).

NM_022725.4(FANCF):c.350C>T (p.Pro117Leu)

Gene: FANCF (FA complementation group F; minus strand). Cytogenetic location: 11p14.3.
Variant type: single nucleotide variant.
Coding change: c.350C>T on transcript NM_022725.4 (MANE Select); coding-DNA position 350, C replaced by T.
Protein change: p.Pro117Leu; replaces proline 117 with leucine.
Molecular consequence: missense variant.
Genome position (GRCh38, 1-based): chr11:22,625,461, G>A on the plus strand (C>T on the coding strand, the complement: FANCF is on the minus strand). VCF-style: chr11-22625461-G-A. GRCh37 (hg19) VCF-style: chr11-22647007-G-A.
Other names: short protein forms P117L.
Identifiers: ClinVar variation 304204 (VCV000304204.22), dbSNP rs374572943, ClinGen allele CA5924363.